The following is an entry in ClinVar:

ClinVar aggregate classification (germline): Conflicting classifications of pathogenicity. Review status: criteria provided, conflicting classifications (1 of 4 stars). 8 submissions from 7 submitters: Uncertain significance (2); Likely benign (5). 1 of the submissions does not count toward it. Last evaluated 2025-12-28.

Conditions:
Autosomal dominant cerebellar ataxia. Also called: Spinocerebellar Ataxia, Dominant. Identifiers: Orphanet 99, MedGen C4087347, MONDO:0020380.
Charcot-Marie-Tooth disease axonal type 2O. Also called: CHARCOT-MARIE-TOOTH NEUROPATHY, AXONAL, TYPE 2O; CHARCOT-MARIE-TOOTH DISEASE, AXONAL, AUTOSOMAL DOMINANT, TYPE 2O; Charcot-Marie-Tooth disease, axonal, type 20; Charcot-Marie-Tooth Neuropathy Type 2O. Identifiers: Orphanet 284232, MedGen C3280220, MONDO:0013644, OMIM 614228.
DYNC1H1-related disorder. Also called: DYNC1H1-related condition; DYNC1H1-related disorders. Identifiers: MedGen CN381529.
Inborn genetic diseases. Identifiers: MedGen C0950123, MeSH D030342.

Allele frequency attached by ClinVar (database versions not stated): gnomAD 0.00002 and 0.00003; TOPMed 0.00002; gnomAD exomes 0.00004 and 0.00007; ExAC 0.00008; ESP Exome Variant Server 0.00008.
gnomAD v4.1: 59 of 1,613,992 alleles (0.0037%); highest among the groups gnomAD compares: Middle Eastern, 0.082%; no homozygotes.

Submissions (8):

Labcorp Genetics (formerly Invitae), Labcorp
Classification: Likely benign for Charcot-Marie-Tooth disease axonal type 2O. Last evaluated: 2025-12-28. Review status: criteria provided, single submitter. Criteria: Invitae Variant Classification Sherloc (09022015). Collection method: clinical testing. Allele origin: germline.

Blueprint Genetics
Classification: Likely benign. Last evaluated: 2024-02-16. Review status: criteria provided, single submitter. Criteria: ACMG Guidelines, 2015. Collection method: clinical testing. Allele origin: germline.

CeGaT Center for Human Genetics Tuebingen
Classification: Likely benign. Last evaluated: 2023-02-01. Review status: criteria provided, single submitter. Criteria: CeGaT Center For Human Genetics Tuebingen Variant Classification Criteria Version 2. Collection method: clinical testing. Allele origin: germline. Affected: yes. Observed: 2 variant alleles.
Comment: DYNC1H1: BP4, BP7

Illumina Laboratory Services, Illumina
Classification: Uncertain significance for Charcot-Marie-Tooth disease axonal type 2O. Last evaluated: 2018-01-13. Review status: criteria provided, single submitter. Criteria: ICSL Variant Classification Criteria 13 December 2019. Collection method: clinical testing. Allele origin: germline.

Illumina Laboratory Services, Illumina
Classification: Uncertain significance for Spinocerebellar Ataxia, Dominant. Last evaluated: 2018-01-13. Review status: criteria provided, single submitter. Criteria: ICSL Variant Classification Criteria 13 December 2019. Collection method: clinical testing. Allele origin: germline.

GeneDx
Classification: Likely benign. Last evaluated: 2017-06-16. Review status: criteria provided, single submitter. Criteria: GeneDx Variant Classification (06012015). Collection method: clinical testing. Allele origin: germline. Affected: yes.
Comment: This variant is considered likely benign or benign based on one or more of the following criteria: it is a conservative change, it occurs at a poorly conserved position in the protein, it is predicted to be benign by multiple in silico algorithms, and/or has population frequency not consistent with disease.

Ambry Genetics
Classification: Likely benign for Inborn genetic diseases. Last evaluated: 2017-04-26. Review status: criteria provided, single submitter. Criteria: Ambry Variant Classification Scheme 2023. Collection method: clinical testing. Allele origin: germline.

PreventionGenetics, part of Exact Sciences
Classification: Likely benign for DYNC1H1-related condition. Last evaluated: 2019-07-11. Review status: no assertion criteria provided. Collection method: clinical testing. Allele origin: germline. Not counted in ClinVar's aggregate classification.
Comment: This variant is classified as likely benign based on ACMG/AMP sequence variant interpretation guidelines (Richards et al. 2015 PMID: 25741868, with internal and published modifications).

NM_001376.5(DYNC1H1):c.10833G>C (p.Arg3611=)

Gene: DYNC1H1 (dynein cytoplasmic 1 heavy chain 1; plus strand). Cytogenetic location: 14q32.31.
Variant type: single nucleotide variant.
Coding change: c.10833G>C on transcript NM_001376.5 (MANE Select); coding-DNA position 10833, G replaced by C.
Protein change: p.Arg3611=; no amino-acid change (arginine 3611 retained).
Molecular consequence: synonymous variant.
Genome position (GRCh38, 1-based): chr14:102,036,567, G>C. VCF-style: chr14-102036567-G-C. GRCh37 (hg19) VCF-style: chr14-102502904-G-C.
Identifiers: ClinVar variation 510280 (VCV000510280.60), dbSNP rs35143882, ClinGen allele CA7353489.